The following is an entry in ClinVar:

NM_006172.4(NPPA):c.358A>G (p.Thr120Ala)

Genes: NPPA (natriuretic peptide A; minus strand), NPPA-AS1 (NPPA antisense RNA 1; plus strand), LOC114827827 (VISTA enhancer hs2123; plus strand). Cytogenetic location: 1p36.22.
Variant type: single nucleotide variant.
Coding change: c.358A>G on transcript NM_006172.4 (MANE Select); coding-DNA position 358, A replaced by G.
Protein change: p.Thr120Ala; replaces threonine 120 with alanine.
Molecular consequence: missense variant.
Genome position (GRCh38, 1-based): chr1:11,847,205, T>C on the plus strand (A>G on the coding strand, the complement: NPPA is on the minus strand). VCF-style: chr1-11847205-T-C. GRCh37 (hg19) VCF-style: chr1-11907262-T-C.
Other names: short protein forms T120A.
Identifiers: ClinVar variation 1517080 (VCV001517080.8), dbSNP rs1176047776, ClinGen allele CA338449479.

ClinVar aggregate classification (germline): Uncertain significance (1 of 4 stars; one submission).

Conditions:
Atrial fibrillation, familial, 6 (ATFB6). Identifiers: MedGen C2677294, MONDO:0012816, OMIM 612201.

Allele frequency attached by ClinVar (database versions not stated): gnomAD exomes below 0.00001.

Submission:

Labcorp Genetics (formerly Invitae), Labcorp
Classification: Uncertain significance for Atrial fibrillation, familial, 6. Last evaluated: 2023-06-13. Review status: criteria provided, single submitter. Criteria: Invitae Variant Classification Sherloc (09022015). Collection method: clinical testing. Allele origin: germline.
Comment: This sequence change replaces threonine, which is neutral and polar, with alanine, which is neutral and non-polar, at codon 120 of the NPPA protein (p.Thr120Ala). This variant is present in population databases (no rsID available, gnomAD 0.0009%). This variant has not been reported in the literature in individuals affected with NPPA-related conditions. ClinVar contains an entry for this variant (Variation ID: 1517080). Algorithms developed to predict the effect of missense changes on protein structure and function output the following: SIFT: "Not Available"; PolyPhen-2: "Benign"; Align-GVGD: "Not Available". The alanine amino acid residue is found in multiple mammalian species, which suggests that this missense change does not adversely affect protein function. In summary, the available evidence is currently insufficient to determine the role of this variant in disease. Therefore, it has been classified as a Variant of Uncertain Significance.